The following is an entry in ClinVar:

NM_000051.4(ATM):c.735C>T (p.Val245=)

Gene: ATM (ATM serine/threonine kinase; plus strand). Cytogenetic location: 11q22.3.
Variant type: single nucleotide variant.
Coding change: c.735C>T on transcript NM_000051.4 (MANE Select); coding-DNA position 735, C replaced by T.
Protein change: p.Val245=; no amino-acid change (valine 245 retained).
Molecular consequence: synonymous variant.
Genome position (GRCh38, 1-based): chr11:108,244,860, C>T. VCF-style: chr11-108244860-C-T. GRCh37 (hg19) VCF-style: chr11-108115587-C-T.
Other names: NP_000042.3:p.Val245=; p.Val245=; c.735C>T, p.Val245= (NM_001351834.2).
Identifiers: ClinVar variation 183707 (VCV000183707.86), dbSNP rs3218674, ClinGen allele CA186184.

ClinVar aggregate classification (germline): Benign/Likely benign. Review status: criteria provided, multiple submitters, no conflicts (2 of 4 stars). 25 submissions from 25 submitters: Benign (14); Likely benign (2). 9 of the submissions do not count toward it. Last evaluated 2026-09-01.

Conditions:
Hereditary cancer-predisposing syndrome. Also called: Hereditary neoplastic syndrome; Tumor predisposition; Neoplastic Syndromes, Hereditary; Hereditary Cancer Syndrome. Identifiers: Orphanet 140162, MedGen C0027672, MeSH D009386, MONDO:0015356.
Hereditary breast ovarian cancer syndrome. Also called: Breast and ovarian cancer; Hereditary breast and/or ovarian cancer syndrome; BRCA1- and BRCA2-Associated Hereditary Breast and Ovarian Cancer; Hereditary breast and ovarian cancer; Hereditary breast and ovarian cancer syndrome; Hereditary breast and ovarian cancer syndrome (HBOC). Identifiers: Orphanet 145, MedGen C0677776, MeSH D061325, MONDO:0003582. Disease mechanism: loss of function.
Familial cancer of breast. Also called: hereditary breast carcinoma; Hereditary breast cancer; BREAST CANCER, FAMILIAL. Identifiers: Orphanet 227535, MedGen C0346153, MONDO:0016419, OMIM 114480. Disease mechanism: loss of function.
Ataxia-telangiectasia syndrome (AT). Also called: Ataxia telangiectasia (A-T); LOUIS-BAR SYNDROME; Ataxia-telangiectasia; Cerebello-oculocutaneous telangiectasia; Immunodeficiency with ataxia telangiectasia; Ataxia-telangiectasia, complementation group D. Identifiers: Orphanet 100, MedGen C0004135, MONDO:0008840, OMIM 208900.
Malignant tumor of breast. Also called: Malignant breast neoplasm; Cancer breast. Identifiers: MedGen C0006142, MONDO:0007254. Disease mechanism: loss of function.

Allele frequency attached by ClinVar (database versions not stated): 1000 Genomes Project 30x 0.00328; 1000 Genomes Project 0.00359; TOPMed 0.00701; ESP Exome Variant Server 0.00962; gnomAD 0.01044 and 0.01085; gnomAD exomes 0.01127; ExAC 0.01158.
gnomAD v4.1: 19,806 of 1,613,792 alleles (1.2%); highest among the groups gnomAD compares: Non-Finnish European, 1.4%; 185 homozygotes.

Submissions (25):

CeGaT Center for Human Genetics Tuebingen
Classification: Benign. Last evaluated: 2026-09-01. Review status: criteria provided, single submitter. Criteria: CeGaT Center For Human Genetics Tuebingen Variant Classification Criteria Version 2. Collection method: clinical testing. Allele origin: germline. Affected: yes. Observed: 173 variant alleles.
Comment: ATM: BP4, BP7, BS1, BS2

Labcorp Genetics (formerly Invitae), Labcorp
Classification: Benign for Ataxia-telangiectasia syndrome. Last evaluated: 2026-02-04. Review status: criteria provided, single submitter. Criteria: Invitae Variant Classification Sherloc (09022015). Collection method: clinical testing. Allele origin: germline.

Athena Diagnostics
Classification: Benign. Last evaluated: 2025-10-27. Review status: criteria provided, single submitter. Criteria: Athena Diagnostics Criteria. Collection method: clinical testing. Allele origin: unknown.
Comment: The frequency of this variant in the general population is higher than would generally be expected for pathogenic variants in this gene. Computational tools yielded predictions that this variant is unlikely to have an effect on normal RNA splicing. This nucleotide position exhibits low evolutionary conservation.

ARUP Laboratories, Molecular Genetics and Genomics, ARUP Laboratories
Classification: Benign. Last evaluated: 2025-07-28. Review status: criteria provided, single submitter. Criteria: ARUP Molecular Germline Variant Investigation Process 2024. Collection method: clinical testing. Allele origin: germline.

Center for Genomic Medicine, Rigshospitalet, Copenhagen University Hospital
Classification: Benign. Last evaluated: 2025-03-04. Review status: criteria provided, single submitter. Criteria: ACMG Guidelines, 2015. Collection method: clinical testing. Allele origin: germline.

Blueprint Genetics
Classification: Likely benign. Last evaluated: 2024-11-26. Review status: criteria provided, single submitter. Criteria: ACMG Guidelines, 2015. Collection method: clinical testing. Allele origin: germline.

Mayo Clinic Laboratories, Mayo Clinic
Classification: Benign. Last evaluated: 2024-09-20. Review status: criteria provided, single submitter. Criteria: ACMG Guidelines, 2015. Collection method: clinical testing. Allele origin: germline. Observed: 84 variant alleles.
Comment: BA1, BP4, BP7

Myriad Genetics, Inc.
Classification: Benign for Familial cancer of breast. Last evaluated: 2024-04-22. Review status: criteria provided, single submitter. Criteria: Myriad Autosomal Dominant, Autosomal Recessive and X-Linked Classification Criteria (2023). Collection method: clinical testing. Allele origin: unknown.
Comment: This variant is considered benign. This variant is a silent/synonymous amino acid change and it is not expected to impact splicing.

KCCC/NGS Laboratory, Kuwait Cancer Control Center
Classification: Benign for Familial cancer of breast. Last evaluated: 2023-07-07. Review status: criteria provided, single submitter. Criteria: ACMG Guidelines, 2015. Collection method: clinical testing. Allele origin: germline. Affected: yes.

National Health Laboratory Service, Universitas Academic Hospital and University of the Free State
Classification: Benign for Hereditary breast ovarian cancer syndrome. Last evaluated: 2022-04-19. Review status: criteria provided, single submitter. Criteria: ACMG Guidelines, 2015. Collection method: clinical testing. Allele origin: germline. Affected: yes. Observed: 1 variant allele.

Sema4
Classification: Benign for Hereditary cancer-predisposing syndrome. Last evaluated: 2020-02-06. Review status: criteria provided, single submitter. Criteria: Sema4 Curation Guidelines. Collection method: curation. Allele origin: germline.

Illumina Laboratory Services, Illumina
Classification: Likely benign for Ataxia-telangiectasia syndrome. Last evaluated: 2018-01-13. Review status: criteria provided, single submitter. Criteria: ICSL Variant Classification Criteria 13 December 2019. Collection method: clinical testing. Allele origin: germline.
Comment: This variant was observed in the ICSL laboratory as part of a predisposition screen in an ostensibly healthy population. It had not been previously curated by ICSL or reported in the Human Gene Mutation Database (HGMD: prior to June 1st, 2018), and was therefore a candidate for classification through an automated scoring system. Utilizing variant allele frequency, disease prevalence and penetrance estimates, and inheritance mode, an automated score was calculated to assess if this variant is too frequent to cause the disease. Based on the score and internal cut-off values, a variant classified as likely benign is not then subjected to further curation. The score for this variant resulted in a classification of likely benign for this disease.

Color Diagnostics, LLC DBA Color Health
Classification: Benign for Hereditary cancer-predisposing syndrome. Last evaluated: 2015-04-02. Review status: criteria provided, single submitter. Criteria: ACMG Guidelines, 2015. Collection method: clinical testing. Allele origin: germline.

GeneDx
Classification: Benign. Last evaluated: 2015-03-03. Review status: criteria provided, single submitter. Criteria: GeneDx Variant Classification Process June 2021. Collection method: clinical testing. Allele origin: germline. Affected: yes.
Comment: This variant is associated with the following publications: (PMID: 12810666)

Ambry Genetics
Classification: Benign for Hereditary cancer-predisposing syndrome. Last evaluated: 2014-08-01. Review status: criteria provided, single submitter. Criteria: Ambry Variant Classification Scheme 2023. Collection method: clinical testing. Allele origin: germline.

PreventionGenetics, part of Exact Sciences
Classification: Benign. Review status: criteria provided, single submitter. Criteria: ACMG Guidelines, 2015. Collection method: clinical testing. Allele origin: germline.

Natera, Inc.
Classification: Benign for Ataxia-telangiectasia. Last evaluated: 2020-09-16. Review status: no assertion criteria provided. Collection method: clinical testing. Allele origin: germline. Not counted in ClinVar's aggregate classification.

True Health Diagnostics
Classification: Likely benign for Hereditary cancer-predisposing syndrome. Last evaluated: 2018-02-20. Review status: no assertion criteria provided. Collection method: clinical testing. Allele origin: germline. Not counted in ClinVar's aggregate classification.

Counsyl
Classification: Likely benign for Ataxia-telangiectasia syndrome. Last evaluated: 2017-04-18. Review status: no assertion criteria provided. Collection method: clinical testing. Allele origin: unknown. Not counted in ClinVar's aggregate classification.

Genome Diagnostics Laboratory, Amsterdam University Medical Center
Classification: Benign for Ataxia-telangiectasia syndrome. Last evaluated: 2016-08-23. Review status: no assertion criteria provided. Criteria: ACGS Guidelines, 2013. Collection method: clinical testing. Allele origin: germline. Affected: yes. Study: VKGL Data-share Consensus. Not counted in ClinVar's aggregate classification.

Clinical Genetics Laboratory, Department of Pathology, Netherlands Cancer Institute
Classification: Benign. Review status: no assertion criteria provided. Collection method: clinical testing. Allele origin: germline. Affected: yes. Study: VKGL Data-share Consensus. Not counted in ClinVar's aggregate classification.

Clinical Genetics, Academic Medical Center
Classification: Benign. Review status: no assertion criteria provided. Collection method: clinical testing. Allele origin: germline. Affected: yes. Study: VKGL Data-share Consensus. Not counted in ClinVar's aggregate classification.

Department of Pathology and Laboratory Medicine, Sinai Health System
Classification: Benign for Malignant tumor of breast. Review status: no assertion criteria provided. Collection method: clinical testing. Allele origin: unknown. Affected: yes. Study: The Canadian Open Genetics Repository (COGR). Not counted in ClinVar's aggregate classification.
Comment: The ATM p.Val245= variant was identified in 44 of 3228 proband chromosomes (frequency: 0.01) from individuals or families with b-cell lymphoma tumours, chronic lymphocytic leukemia and hereditary breast and ovarian cancer and was present in 74 of 4368 control chromosomes (frequency: 0.007) from healthy individuals (Skowronska 2012, Concannon 2008, Gronbaek 2002, Heikkinen 2005, Mangone 2015, Petereit 2013, Tommiska 2006). The variant was identified in dbSNP (rs3218674) as â€šÃ„Ãºwith likely benign, other allele, ClinVar (classified as benign by Invitae, Ambry Genetics, Color, PreventionGenetics and 2 other submitters and likely benign by True Health Diagnostics, Illumina and Counsyl) and LOVD 3.0 (observed 5x). The variant was identified in control databases in 3269 of 282,410 chromosomes (43 homozygous) at a frequency of 0.01 increasing the likelihood this could be a low frequency benign variant (Genome Aggregation Database Feb 27, 2017). The variant was observed in the following populations: Finnish in 1057 of 25,098 chromosomes (freq: 0.04), European in 1977 of 128,822 chromosomes (freq: 0.02), Other in 78 of 7206 chromosomes (freq: 0.01), Latino in 100 of 35,408 chromosomes (freq: 0.003), African in 45 of 24,960 chromosomes (freq: 0.002), South Asian in 10 of 30,610 chromosomes (freq: 0.0003), Ahkenazi Jewish in 2 of 10,360 chromosomes (freq: 0.0002), while the variant was not observed in the East Asian population. The p.Val245= variant is not expected to have clinical significance because it does not result in a change of amino acid and is not located in a known consensus splice site. The variant occurs at a non-highly conserved nucleotide outside of the splicing consensus sequence and in silico or computational prediction software programs (SpliceSiteFinder, MaxEntScan, NNSPLICE, GeneSplicer) do not predict a difference in splicing. In summary, based on the above information this variant meets our laboratory's criteria to be classified as benign.

Joint Genome Diagnostic Labs from Nijmegen and Maastricht, Radboudumc and MUMC+
Classification: Benign. Review status: no assertion criteria provided. Collection method: clinical testing. Allele origin: germline. Affected: yes. Study: VKGL Data-share Consensus. Not counted in ClinVar's aggregate classification.

Laboratory of Diagnostic Genome Analysis, Leiden University Medical Center (LUMC)
Classification: Likely benign. Review status: no assertion criteria provided. Collection method: clinical testing. Allele origin: germline. Affected: yes. Study: VKGL Data-share Consensus. Not counted in ClinVar's aggregate classification.

Literature cited by the submitters: PubMed 15756685 (cited by Athena Diagnostics); PubMed 16167060 (cited by Athena Diagnostics); PubMed 25625042 (cited by Athena Diagnostics); PubMed 24416720 (cited by Athena Diagnostics); PubMed 18701470 (cited by Athena Diagnostics); PubMed 12882767 (cited by Athena Diagnostics); PubMed 17490827 (cited by Athena Diagnostics); PubMed 10980530 (cited by Athena Diagnostics and Counsyl); PubMed 12149228 (cited by Athena Diagnostics and Counsyl); PubMed 16914028 (cited by Athena Diagnostics); PubMed 9872980 (cited by Athena Diagnostics and Counsyl).